The following is an entry in ClinVar:

ClinVar aggregate classification (germline): Conflicting classifications of pathogenicity. Review status: criteria provided, conflicting classifications (1 of 4 stars). 2 submissions from 2 submitters: Pathogenic (1); Uncertain significance (1). Last evaluated 2025-10-15.

Conditions:
Metachromatic leukodystrophy (MLD). Also called: ARSA DEFICIENCY; SULFATIDE LIPIDOSIS; Arylsulfatase A Deficiency; CEREBROSIDE SULFATASE DEFICIENCY; Cerebral sclerosis diffuse metachromatic form; METACHROMATIC LEUKOENCEPHALOPATHY. Identifiers: Orphanet 512, MedGen C0023522, MONDO:0018868, OMIM 250100.

Submissions (2):

Myriad Genetics, Inc.
Classification: Uncertain significance for Metachromatic leukodystrophy. Last evaluated: 2025-10-15. Review status: criteria provided, single submitter. Criteria: Myriad Autosomal Dominant, Autosomal Recessive and X-Linked Classification Criteria (2023). Collection method: clinical testing. Allele origin: unknown.
Comment: NM_000487.5(ARSA):c.1278delG(E426Dfs*33) is a frameshift variant classified as a variant of uncertain significance in the context of metachromatic leukodystrophy. E426Dfs*33 has not been observed in cases with relevant disease. Relevant functional assessments of this variant are not available in the literature. E426Dfs*33 has not been observed in referenced population frequency databases. In summary, there is insufficient evidence to classify NM_000487.5(ARSA):c.1278delG(E426Dfs*33) as pathogenic or benign. Please note: this variant was assessed in the context of healthy population screening.

Labcorp Genetics (formerly Invitae), Labcorp
Classification: Pathogenic for Metachromatic leukodystrophy. Last evaluated: 2022-08-20. Review status: criteria provided, single submitter. Criteria: Invitae Variant Classification Sherloc (09022015). Collection method: clinical testing. Allele origin: germline.
Comment: This sequence change creates a premature translational stop signal (p.Glu426Aspfs*33) in the ARSA gene. While this is not anticipated to result in nonsense mediated decay, it is expected to disrupt the last 84 amino acid(s) of the ARSA protein. This variant is not present in population databases (gnomAD no frequency). This variant has not been reported in the literature in individuals affected with ARSA-related conditions. Algorithms developed to predict the effect of sequence changes on RNA splicing suggest that this variant may disrupt the consensus splice site. This variant disrupts a region of the ARSA protein in which other variant(s) (p.Cys491Gly) have been determined to be pathogenic (PMID: 15026521; Invitae). This suggests that this is a clinically significant region of the protein, and that variants that disrupt it are likely to be disease-causing. For these reasons, this variant has been classified as Pathogenic.

Literature cited by the submitters: PubMed 15026521 (cited by Labcorp Genetics (formerly Invitae), Labcorp).

NM_000487.6(ARSA):c.1278del (p.Glu426fs)

Gene: ARSA (arylsulfatase A; minus strand). Cytogenetic location: 22q13.33.
Variant type: Deletion.
Coding change: c.1278del on transcript NM_000487.6 (MANE Select); coding-DNA position 1278, one base deleted (G; older notation c.1278delG).
Protein change: p.Glu426fs; shifts the reading frame from glutamic acid 426.
Molecular consequence: frameshift variant.
Genome position (GRCh38, 1-based): chr22:50,625,397, C deleted on the plus strand (G on the coding strand, the reverse complement: ARSA is on the minus strand). VCF-style (leftmost placement, unchanged base first): chr22-50625396-GC-G. GRCh37 (hg19) VCF-style: chr22-51063824-GC-G.
Other names: c.1278del, p.Glu426fs (NM_001085425.3, NM_001085426.3, NM_001085427.3); c.1020del, p.Glu340fs (NM_001085428.3, NM_001362782.2); short protein forms E426fs, E340fs.
Identifiers: ClinVar variation 2022101 (VCV002022101.5), dbSNP rs2518322373, ClinGen allele CA2580100055.